The following is an entry in ClinVar:

ClinVar aggregate classification (germline): Uncertain significance (1 of 4 stars; one submission).

Conditions:
Neuronopathy, distal hereditary motor, autosomal recessive 4. Also called: NEUROPATHY, DISTAL HEREDITARY MOTOR, AUTOSOMAL RECESSIVE 4; Autosomal recessive lower motor neuron disease with childhood onset. Identifiers: Orphanet 206580, MedGen C1970211, MONDO:0012608, OMIM 611067.
Charcot-Marie-Tooth disease recessive intermediate C. Also called: CHARCOT-MARIE-TOOTH NEUROPATHY, RECESSIVE INTERMEDIATE C. Identifiers: Orphanet 369867, MedGen C3809309, MONDO:0014154, OMIM 615376.

Allele frequency attached by ClinVar (database versions not stated): gnomAD exomes below 0.00001 and 0.00001; TOPMed below 0.00001; gnomAD 0.00001; ExAC 0.00002.

Submission:

Labcorp Genetics (formerly Invitae), Labcorp
Classification: Uncertain significance for Neuronopathy, distal hereditary motor, autosomal recessive 4; Charcot-Marie-Tooth disease recessive intermediate C. Last evaluated: 2022-02-06. Review status: criteria provided, single submitter. Criteria: Invitae Variant Classification Sherloc (09022015). Collection method: clinical testing. Allele origin: germline.
Comment: In summary, the available evidence is currently insufficient to determine the role of this variant in disease. Therefore, it has been classified as a Variant of Uncertain Significance. Variants that disrupt the consensus splice site are a relatively common cause of aberrant splicing (PMID: 17576681, 9536098). Algorithms developed to predict the effect of sequence changes on RNA splicing suggest that this variant is not likely to affect RNA splicing. ClinVar contains an entry for this variant (Variation ID: 859825). This variant has not been reported in the literature in individuals affected with PLEKHG5-related conditions. This variant is present in population databases (rs754653668, gnomAD 0.002%). This sequence change falls in intron 4 of the PLEKHG5 gene. It does not directly change the encoded amino acid sequence of the PLEKHG5 protein. It affects a nucleotide within the consensus splice site.

Literature cited by the submitters: PubMed 17576681; PubMed 9536098.

NM_020631.6(PLEKHG5):c.211-3C>T

Gene: PLEKHG5 (pleckstrin homology and RhoGEF domain containing G5; minus strand). Cytogenetic location: 1p36.31.
Variant type: single nucleotide variant.
Coding change: c.211-3C>T on transcript NM_020631.6 (MANE Select); 3 bases into the intron before coding-DNA position 211, C replaced by T.
Molecular consequence: intron variant.
Genome position (GRCh38, 1-based): chr1:6,475,141, G>A on the plus strand (C>T on the coding strand, the complement: PLEKHG5 is on the minus strand). VCF-style: chr1-6475141-G-A. GRCh37 (hg19) VCF-style: chr1-6535201-G-A.
Other names: c.211-3C>T (NM_198681.4, NM_001265594.3, NM_001042664.2 and 1 more transcripts); c.322-3C>T (NM_001042663.3, NM_001265592.2); c.418-3C>T (NM_001265593.2).
Identifiers: ClinVar variation 859825 (VCV000859825.8), dbSNP rs754653668, ClinGen allele CA561925.